The following is an entry in ClinVar:

ClinVar aggregate classification (germline): Uncertain significance (1 of 4 stars; one submission).

Conditions:
Inborn genetic diseases. Identifiers: MedGen C0950123, MeSH D030342.

gnomAD v4.1: 3 of 1,550,706 alleles (0.00019%); highest among the groups gnomAD compares: African/African-American, 0.0027%; no homozygotes.

Submission:

Ambry Genetics
Classification: Uncertain significance for Inborn genetic diseases. Last evaluated: 2026-05-12. Review status: criteria provided, single submitter. Criteria: Ambry Variant Classification Scheme 2023. Collection method: clinical testing. Allele origin: germline.
Comment: The c.3457G>A (p.A1153T) alteration is located in exon 11 (coding exon 11) of the TNRC6B gene. This alteration results from a G to A substitution at nucleotide position 3457, causing the alanine (A) at amino acid position 1153 to be replaced by a threonine (T). Based on data from gnomAD, the A allele has an overall frequency of 0.003% (1/31384) total alleles studied. The highest observed frequency was 0.012% (1/8706) of African alleles. Based on insufficient or conflicting evidence, the clinical significance of this alteration remains unclear.

NM_001162501.2(TNRC6B):c.3457G>A (p.Ala1153Thr)

Gene: TNRC6B (trinucleotide repeat containing adaptor 6B; plus strand). Cytogenetic location: 22q13.1.
Variant type: single nucleotide variant.
Coding change: c.3457G>A on transcript NM_001162501.2 (MANE Select); coding-DNA position 3457, G replaced by A.
Protein change: p.Ala1153Thr; replaces alanine 1153 with threonine.
Molecular consequence: missense variant. On other transcripts: intron variant (2).
Genome position (GRCh38, 1-based): chr22:40,281,164, G>A. VCF-style: chr22-40281164-G-A. GRCh37 (hg19) VCF-style: chr22-40677168-G-A.
Other names: c.1170+1021G>A (NM_001024843.2); c.3252+1021G>A (NM_015088.3); short protein forms A1153T.
Identifiers: ClinVar variation 4865797 (VCV004865797.1).